The following is an entry in ClinVar:

ClinVar aggregate classification (germline): Uncertain significance (1 of 4 stars; one submission).

Submission:

Ambry Genetics
Classification: Uncertain significance. Last evaluated: 2025-05-02. Review status: criteria provided, single submitter. Criteria: Ambry Variant Classification Scheme 2023. Collection method: clinical testing. Allele origin: germline.
Comment: The p.G140R variant (also known as c.418G>A), located in coding exon 3 of the ATRIP gene, results from a G to A substitution at nucleotide position 418. The glycine at codon 140 is replaced by arginine, an amino acid with dissimilar properties. This amino acid position is conserved. In addition, this alteration is predicted to be deleterious by in silico analysis. Based on the available evidence, the clinical significance of this variant remains unclear.

NM_130384.3(ATRIP):c.418G>A (p.Gly140Arg)

Genes: ATRIP (ATR interacting protein; plus strand), ATRIP-TREX1 (ATRIP-TREX1 readthrough; plus strand). Cytogenetic location: 3p21.31.
Variant type: single nucleotide variant.
Coding change: c.418G>A on transcript NM_130384.3 (MANE Select); coding-DNA position 418, G replaced by A.
Protein change: p.Gly140Arg; replaces glycine 140 with arginine.
Molecular consequence: missense variant. On other transcripts: non-coding transcript variant (1).
Genome position (GRCh38, 1-based): chr3:48,451,765, G>A. VCF-style: chr3-48451765-G-A. GRCh37 (hg19) VCF-style: chr3-48493171-G-A.
Other names: c.37G>A, p.Gly13Arg (NM_001271022.2); c.139G>A, p.Gly47Arg (NM_001271023.2); c.418G>A, p.Gly140Arg (NM_032166.4); short protein forms G47R, G13R, G140R.
Identifiers: ClinVar variation 3976403 (VCV003976403.1).
Genomic context (GRCh38, chr3:48,451,765, plus strand): 5'-ACGAGATTAATTTGGGATTTACAGATGAAAGTAATGGAAGAAGAAGTTCTCATTAAGAAT[G>A]GAGAAATTAAAATTTTGCGAGACTCACTACATCAGACGGAATCCGTTCTAGAGGAACAGA-3'
Protein context (NP_569055.1, residues 130-150): VMEEEVLIKN[Gly140Arg]EIKILRDSLH